The following is an entry in ClinVar:

NM_001286.5(CLCN6):c.1057T>G (p.Cys353Gly)

Gene: CLCN6 (chloride voltage-gated channel 6; plus strand). Cytogenetic location: 1p36.22.
Variant type: single nucleotide variant.
Coding change: c.1057T>G on transcript NM_001286.5 (MANE Select); coding-DNA position 1057, T replaced by G.
Protein change: p.Cys353Gly; replaces cysteine 353 with glycine.
Molecular consequence: missense variant. On other transcripts: non-coding transcript variant (1).
Genome position (GRCh38, 1-based): chr1:11,828,560, T>G. VCF-style: chr1-11828560-T-G. GRCh37 (hg19) VCF-style: chr1-11888617-T-G.
Other names: c.991T>G, p.Cys331Gly (NM_001256959.2); short protein forms C353G, C331G.
Identifiers: ClinVar variation 4719321 (VCV004719321.1).

ClinVar aggregate classification (germline): Uncertain significance (1 of 4 stars; one submission).

Submission:

Labcorp Genetics (formerly Invitae), Labcorp
Classification: Uncertain significance. Last evaluated: 2025-05-11. Review status: criteria provided, single submitter. Criteria: Invitae Variant Classification Sherloc (09022015). Collection method: clinical testing. Allele origin: germline.
Comment: This sequence change replaces cysteine, which is neutral and slightly polar, with glycine, which is neutral and non-polar, at codon 353 of the CLCN6 protein (p.Cys353Gly). This variant is not present in population databases (gnomAD no frequency). This variant has not been reported in the literature in individuals affected with CLCN6-related conditions. An algorithm developed to predict the effect of missense changes on protein structure and function (PolyPhen-2) suggests that this variant is likely to be tolerated. In summary, the available evidence is currently insufficient to determine the role of this variant in disease. Therefore, it has been classified as a Variant of Uncertain Significance.